The following is an entry in ClinVar:

ClinVar aggregate classification (germline): Conflicting classifications of pathogenicity. Review status: criteria provided, conflicting classifications (1 of 4 stars). 2 submissions from 2 submitters: Pathogenic (1); Uncertain significance (1). Last evaluated 2023-06-22.

Conditions:
Acromesomelic dysplasia 1, Maroteaux type (AMD1). Also called: ST. HELENA DYSPLASIA; ACROMESOMELIC DYSPLASIA 1. Identifiers: Orphanet 40, MedGen C1864356, MONDO:0011275, OMIM 602875.

gnomAD v4.1: 1 of 1,614,182 alleles (0.000062%); no homozygotes.

Submissions (2):

Neuberg Centre For Genomic Medicine, NCGM
Classification: Uncertain significance for Acromesomelic dysplasia 1, Maroteaux type. Last evaluated: 2023-06-22. Review status: criteria provided, single submitter. Criteria: ACMG Guidelines, 2015. Collection method: clinical testing. Allele origin: germline. Inheritance: Autosomal recessive inheritance. Affected: yes.
Comment: The missense c.448G>A (p.Gly150Ser) variant in the NPR2 gene has not been reported previously as a pathogenic variant nor as a benign variant, to our knowledge. The variant is absent in gnomAD Exomes. This variant has been reported to the ClinVar database as Pathogenic. However, no details are available for independent assessment. The amino acid Glycine at position 150 is changed to a Serine changing protein sequence and it might alter its composition and physico-chemical properties. Computational evidence (Polyphen - Probably damaging, SIFT - Tolerated and MutationTaster - Disease causing) predicts conflicting evidence on protein structure and function for this variant. The amino acid Glycine in NPR2 is predicted as conserved by GERP++ and PhyloP across 100 vertebrates. For these reasons, this variant has been classified as Uncertain Significance.

Kasturba Medical College, Manipal, Kasturba Medical College, Manipal, Manipal Academy of Higher Education, Manipal, India
Classification: Pathogenic for Acromesomelic dysplasia 1, Maroteaux type. Review status: criteria provided, single submitter. Criteria: ACMG Guidelines, 2015. Collection method: clinical testing. Allele origin: inherited. Inheritance: Autosomal recessive inheritance. Affected: yes.

NM_003995.4(NPR2):c.448G>A (p.Gly150Ser)

Gene: NPR2 (natriuretic peptide receptor 2; plus strand). Cytogenetic location: 9p13.3.
Variant type: single nucleotide variant.
Coding change: c.448G>A on transcript NM_003995.4 (MANE Select); coding-DNA position 448, G replaced by A.
Protein change: p.Gly150Ser; replaces glycine 150 with serine.
Molecular consequence: missense variant.
Genome position (GRCh38, 1-based): chr9:35,792,856, G>A. VCF-style: chr9-35792856-G-A. GRCh37 (hg19) VCF-style: chr9-35792853-G-A.
Other names: c.448G>A, p.Gly150Ser (NM_001378923.1); short protein forms G150S.
Identifiers: ClinVar variation 1332741 (VCV001332741.3), dbSNP rs2132066800, ClinGen allele CA373364141.